The following is an entry in ClinVar:

NM_032447.5(FBN3):c.6145T>G (p.Trp2049Gly)

Gene: FBN3 (fibrillin 3; minus strand). Cytogenetic location: 19p13.2.
Variant type: single nucleotide variant.
Coding change: c.6145T>G on transcript NM_032447.5 (MANE Select); coding-DNA position 6145, T replaced by G.
Protein change: p.Trp2049Gly; replaces tryptophan 2049 with glycine.
Molecular consequence: missense variant.
Genome position (GRCh38, 1-based): chr19:8,090,138, A>C on the plus strand (T>G on the coding strand, the complement: FBN3 is on the minus strand). VCF-style: chr19-8090138-A-C. GRCh37 (hg19) VCF-style: chr19-8155022-A-C.
Other names: c.6145T>G, p.Trp2049Gly (NM_001321431.2); short protein forms W2049G.
Identifiers: ClinVar variation 3605431 (VCV003605431.2).
Genomic context (GRCh38, chr19:8,090,138, plus strand): 5'-TGGACAGGGGTGGGCACTCACCGCTGCCCTCCTGGGGACACAGTTCGCAGGGGTCTCCCC[A>C]GCCCTCCCCAGGCCTCTTACTGCAGCAGCAGCGGGTCTTGGTGGTGTTGAAAGCTTTGGG-3'
Protein context (NP_115823.3, residues 2039-2059): CCCSKRPGEG[Trp2049Gly]GDPCELCPQE

ClinVar aggregate classification (germline): Uncertain significance (1 of 4 stars; one submission).

gnomAD v4.1: 13 of 1,613,770 alleles (0.00081%); highest among the groups gnomAD compares: African/African-American, 0.017%; no homozygotes.

Submission:

Labcorp Genetics (formerly Invitae), Labcorp
Classification: Uncertain significance. Last evaluated: 2025-01-01. Review status: criteria provided, single submitter. Criteria: Invitae Variant Classification Sherloc (09022015). Collection method: clinical testing. Allele origin: germline.
Comment: This sequence change replaces tryptophan, which is neutral and slightly polar, with glycine, which is neutral and non-polar, at codon 2049 of the FBN3 protein (p.Trp2049Gly). This variant is present in population databases (rs562245600, gnomAD 0.02%). This variant has not been reported in the literature in individuals affected with FBN3-related conditions. Invitae Evidence Modeling of protein sequence and biophysical properties (such as structural, functional, and spatial information, amino acid conservation, physicochemical variation, residue mobility, and thermodynamic stability) indicates that this missense variant is expected to disrupt FBN3 protein function with a positive predictive value of 80%. In summary, the available evidence is currently insufficient to determine the role of this variant in disease. Therefore, it has been classified as a Variant of Uncertain Significance.